The following is an entry in ClinVar:

NM_006766.5(KAT6A):c.152T>A (p.Leu51Ter)

Gene: KAT6A (lysine acetyltransferase 6A; minus strand). Cytogenetic location: 8p11.21.
Variant type: single nucleotide variant.
Coding change: c.152T>A on transcript NM_006766.5 (MANE Select); coding-DNA position 152, T replaced by A.
Protein change: p.Leu51Ter; replaces leucine 51 with a stop codon.
Molecular consequence: nonsense.
Genome position (GRCh38, 1-based): chr8:42,048,826, A>T on the plus strand (T>A on the coding strand, the complement: KAT6A is on the minus strand). VCF-style: chr8-42048826-A-T. GRCh37 (hg19) VCF-style: chr8-41906344-A-T.
Other names: c.152T>A, p.Leu51Ter (NM_001305878.2); short protein forms L51*.
Identifiers: ClinVar variation 5019171 (VCV005019171.1).
Genomic context (GRCh38, chr8:42,048,826, plus strand): 5'-TAGGAATTGAGTCCTTTATTTGAGACTTTTAAAATTGTTCCATCTTTAACACTCAACTCC[A>T]ATTGTTCTAAAACAGTTTTACGATCCAAGCCATGGGATGAAGACACAGCATTGCATATCC-3'

ClinVar aggregate classification (germline): Likely pathogenic (1 of 4 stars; one submission).

Conditions:
Autosomal dominant intellectual disability-craniofacial anomalies-cardiac defects syndrome (ARTHS). Also called: Arboleda-Tham syndrome; Mental retardation, autosomal dominant 32; KAT6A syndrome. Identifiers: Orphanet 457193, MedGen C4225396, MONDO:0014558, OMIM 616268.

Submission:

Juno Genomics, Hangzhou Juno Genomics, Inc
Classification: Likely pathogenic for Autosomal dominant intellectual disability-craniofacial anomalies-cardiac defects syndrome. Review status: criteria provided, single submitter. Criteria: ACMG Guidelines, 2015. Collection method: clinical testing. Allele origin: germline. Affected: yes.
Comment: Absent from controls (or at extremely low frequency if recessive) in Genome Aggregation Database.;Null variant in a gene where loss of function (LOF) is a known mechanism of disease.